The following is an entry in ClinVar:

ClinVar aggregate classification (germline): Likely benign. Review status: criteria provided, multiple submitters, no conflicts (2 of 4 stars). 2 submissions from 2 submitters: Likely benign (2). Last evaluated 2025-12-08.

Conditions:
Lipoic acid synthetase deficiency. Also called: HYPERGLYCINEMIA, LACTIC ACIDOSIS, AND SEIZURES. Identifiers: Orphanet 401859, MedGen C3280887, MONDO:0013762, OMIM 614462.

Allele frequency attached by ClinVar (database versions not stated): ExAC 0.00001; gnomAD 0.00001; gnomAD exomes 0.00001; TOPMed 0.00002.
gnomAD v4.1: 10 of 1,582,820 alleles (0.00063%); highest among the groups gnomAD compares: Non-Finnish European, 0.00087%; no homozygotes.

Submissions (2):

Labcorp Genetics (formerly Invitae), Labcorp
Classification: Likely benign for Lipoic acid synthetase deficiency. Last evaluated: 2025-12-08. Review status: criteria provided, single submitter. Criteria: Invitae Variant Classification Sherloc (09022015). Collection method: clinical testing. Allele origin: germline.

GeneDx
Classification: Likely benign. Last evaluated: 2017-06-01. Review status: criteria provided, single submitter. Criteria: GeneDx Variant Classification (06012015). Collection method: clinical testing. Allele origin: germline. Affected: yes.
Comment: This variant is considered likely benign or benign based on one or more of the following criteria: it is a conservative change, it occurs at a poorly conserved position in the protein, it is predicted to be benign by multiple in silico algorithms, and/or has population frequency not consistent with disease.

NM_006859.4(LIAS):c.884-18G>A

Gene: LIAS (lipoic acid synthetase; plus strand). Cytogenetic location: 4p14.
Variant type: single nucleotide variant.
Coding change: c.884-18G>A on transcript NM_006859.4 (MANE Select); 18 bases into the intron before coding-DNA position 884, G replaced by A.
Molecular consequence: intron variant.
Genome position (GRCh38, 1-based): chr4:39,471,218, G>A. VCF-style: chr4-39471218-G-A. GRCh37 (hg19) VCF-style: chr4-39472838-G-A.
Other names: c.884-18G>A (NM_194451.3); c.755-18G>A (NM_001278590.2); c.575-18G>A (NM_001363700.2).
Identifiers: ClinVar variation 516151 (VCV000516151.4), dbSNP rs754933240, ClinGen allele CA2894800.